The following is an entry in ClinVar:

ClinVar aggregate classification (germline): Uncertain significance (1 of 4 stars; one submission).

Submission:

CeGaT Center for Human Genetics Tuebingen
Classification: Uncertain significance. Last evaluated: 2024-12-01. Review status: criteria provided, single submitter. Criteria: CeGaT Center For Human Genetics Tuebingen Variant Classification Criteria Version 2. Collection method: clinical testing. Allele origin: germline. Affected: yes. Observed: 1 variant allele.
Comment: FOXE3: PM2, PP3

NM_012186.3(FOXE3):c.746C>T (p.Ala249Val)

Genes: FOXE3 (forkhead box E3; plus strand), LINC01389 (long independently transcribed non-coding RNA 1389; minus strand). Cytogenetic location: 1p33.
Variant type: single nucleotide variant.
Coding change: c.746C>T on transcript NM_012186.3 (MANE Select); coding-DNA position 746, C replaced by T.
Protein change: p.Ala249Val; replaces alanine 249 with valine.
Molecular consequence: missense variant.
Genome position (GRCh38, 1-based): chr1:47,417,061, C>T. VCF-style: chr1-47417061-C-T. GRCh37 (hg19) VCF-style: chr1-47882733-C-T.
Other names: short protein forms A249V.
Identifiers: ClinVar variation 3772172 (VCV003772172.13).